The following is an entry in ClinVar:

NM_004444.5(EPHB4):c.371C>T (p.Thr124Met)

Gene: EPHB4 (EPH receptor B4; minus strand). Cytogenetic location: 7q22.1.
Variant type: single nucleotide variant.
Coding change: c.371C>T on transcript NM_004444.5 (MANE Select); coding-DNA position 371, C replaced by T.
Protein change: p.Thr124Met; replaces threonine 124 with methionine.
Molecular consequence: missense variant.
Genome position (GRCh38, 1-based): chr7:100,823,684, G>A on the plus strand (C>T on the coding strand, the complement: EPHB4 is on the minus strand). VCF-style: chr7-100823684-G-A. GRCh37 (hg19) VCF-style: chr7-100421306-G-A.
Other names: short protein forms T124M.
Identifiers: ClinVar variation 3275970 (VCV003275970.1).
Genomic context (GRCh38, chr7:100,823,684, plus strand): 5'-CCCTGGGGGCACCCAGGTACCTTGATGTAGGGGTTCTCCATCCAGGCTGGCGTGAGGGCC[G>A]TGGCCGTGTCCGCATCGCTCTCATAGTAGAAGACGGTGAAGGTCTCCTTGCAGGAGCGCC-3'
Protein context (NP_004435.3, residues 114-134): FYYESDADTA[Thr124Met]ALTPAWMENP

ClinVar aggregate classification (germline): Uncertain significance (1 of 4 stars; one submission).

Conditions:
Cardiovascular phenotype. Identifiers: MedGen CN230736.

gnomAD v4.1: 5 of 1,613,428 alleles (0.00031%); highest among the groups gnomAD compares: Non-Finnish European, 0.00042%; no homozygotes.

Submission:

Ambry Genetics
Classification: Uncertain significance for Cardiovascular phenotype. Last evaluated: 2024-05-05. Review status: criteria provided, single submitter. Criteria: Ambry Variant Classification Scheme 2023. Collection method: clinical testing. Allele origin: germline.
Comment: The p.T124M variant (also known as c.371C>T), located in coding exon 3 of the EPHB4 gene, results from a C to T substitution at nucleotide position 371. The threonine at codon 124 is replaced by methionine, an amino acid with similar properties. This amino acid position is conserved. In addition, the in silico prediction for this alteration is inconclusive. Based on the available evidence, the clinical significance of this variant remains unclear.